The following is an entry in ClinVar:

ClinVar aggregate classification (germline): Uncertain significance (1 of 4 stars; one submission).

Conditions:
Tuberous sclerosis 2 (TSC2). Identifiers: Orphanet 805, MedGen C1860707, MONDO:0013199, OMIM 613254.

Submission:

Labcorp Genetics (formerly Invitae), Labcorp
Classification: Uncertain significance for Tuberous sclerosis 2. Last evaluated: 2019-08-17. Review status: criteria provided, single submitter. Criteria: Invitae Variant Classification Sherloc (09022015). Collection method: clinical testing. Allele origin: germline.
Comment: Experimental studies and prediction algorithms are not available or were not evaluated for this variant, and the functional significance of this variant is currently unknown. In summary, the available evidence is currently insufficient to determine the role of this variant in disease. Therefore, it has been classified as a Variant of Uncertain Significance. This variant has not been reported in the literature in individuals with TSC2-related conditions. This variant, c.4530_4531delinsAT, is a complex sequence change that results in the deletion of 2 and insertion of 2 amino acids in the TSC2 protein (p.Phe1510_Gly1511delinsLeuCys). This variant is not present in population databases (ExAC no frequency).

NM_000548.5(TSC2):c.4530_4531delinsAT (p.Phe1510_Gly1511delinsLeuCys)

Gene: TSC2 (TSC complex subunit 2; plus strand). Cytogenetic location: 16p13.3.
Variant type: Indel.
Coding change: c.4530_4531delinsAT on transcript NM_000548.5 (MANE Select); coding-DNA positions 4530 to 4531, TG replaced by AT.
Protein change: p.Phe1510_Gly1511delinsLeuCys.
Molecular consequence: missense variant.
Genome position (GRCh38, 1-based): chr16:2,084,987-2,084,988, TG replaced by AT. VCF-style: chr16-2084987-TG-AT. GRCh37 (hg19) VCF-style: chr16-2134988-TG-AT.
Other names: c.4329_4330delinsAT, p.Phe1443_Gly1444delinsLeuCys (NM_001077183.3); c.4461_4462delinsAT, p.Phe1487_Gly1488delinsLeuCys (NM_001114382.3); c.4221_4222delinsAT, p.Phe1407_Gly1408delinsLeuCys (NM_001318827.2); c.4185_4186delinsAT, p.Phe1395_Gly1396delinsLeuCys (NM_001318829.2); c.3798_3799delinsAT, p.Phe1266_Gly1267delinsLeuCys (NM_001318831.2); c.4362_4363delinsAT, p.Phe1454_Gly1455delinsLeuCys (NM_001318832.2); c.4332_4333delinsAT, p.Phe1444_Gly1445delinsLeuCys (NM_001363528.2); c.4398_4399delinsAT, p.Phe1466_Gly1467delinsLeuCys (NM_001370404.1); and 1 more.
Identifiers: ClinVar variation 954935 (VCV000954935.9), dbSNP rs2090584159, ClinGen allele CA1139664285.